The following is an entry in ClinVar:

ClinVar aggregate classification (germline): Uncertain significance (1 of 4 stars; one submission).

Submission:

GeneDx
Classification: Uncertain significance. Last evaluated: 2023-12-20. Review status: criteria provided, single submitter. Criteria: GeneDx Variant Classification Process June 2021. Collection method: clinical testing. Allele origin: germline. Affected: yes.
Comment: Not observed at significant frequency in large population cohorts (gnomAD); In silico analysis supports that this missense variant does not alter protein structure/function; Has not been previously published as pathogenic or benign to our knowledge

NM_173560.4(RFX6):c.1429G>A (p.Val477Ile)

Gene: RFX6 (regulatory factor X6; plus strand). Cytogenetic location: 6q22.1.
Variant type: single nucleotide variant.
Coding change: c.1429G>A on transcript NM_173560.4 (MANE Select); coding-DNA position 1429, G replaced by A.
Protein change: p.Val477Ile; replaces valine 477 with isoleucine.
Molecular consequence: missense variant.
Genome position (GRCh38, 1-based): chr6:116,922,143, G>A. VCF-style: chr6-116922143-G-A. GRCh37 (hg19) VCF-style: chr6-117243306-G-A.
Other names: short protein forms V477I.
Identifiers: ClinVar variation 3370032 (VCV003370032.1).